The following is an entry in ClinVar:

NM_023067.4(FOXL2):c.552C>T (p.Asp184=)

Gene: FOXL2 (forkhead box L2; minus strand). Cytogenetic location: 3q22.3.
Variant type: single nucleotide variant.
Coding change: c.552C>T on transcript NM_023067.4 (MANE Select); coding-DNA position 552, C replaced by T.
Protein change: p.Asp184=; no amino-acid change (aspartic acid 184 retained).
Molecular consequence: synonymous variant.
Genome position (GRCh38, 1-based): chr3:138,946,171, G>A on the plus strand (C>T on the coding strand, the complement: FOXL2 is on the minus strand). VCF-style: chr3-138946171-G-A. GRCh37 (hg19) VCF-style: chr3-138665013-G-A.
Identifiers: ClinVar variation 3038785 (VCV003038785.2), dbSNP rs1200193326, ClinGen allele CA436094332.
Genomic context (GRCh38, chr3:138,946,171, plus strand): 5'-CCACGAGTTGTTGAGGAAGCCAGACTGCAGGTACTTGGGGGGCGCCAGGTAGCCGTAGCC[G>A]TCGGCCCCGGCGCCCGCCACGCCGCACCCGCCTGCGGCGCCTCCGGCCCCGAAGAGCCCC-3'
Protein context (NP_075555.1, residues 174-194): GGCGVAGAGA[Asp184=]GYGYLAPPKY

ClinVar aggregate classification (germline): Likely benign (0 of 4 stars; one submission).

Conditions:
FOXL2-related disorder. Also called: FOXL2-related condition.

Allele frequency attached by ClinVar (database versions not stated): gnomAD 0.00001.
gnomAD v4.1: 11 of 1,483,450 alleles (0.00074%); highest among the groups gnomAD compares: Non-Finnish European, 0.00089%; no homozygotes.

Submission:

PreventionGenetics, part of Exact Sciences
Classification: Likely benign for FOXL2-related condition. Last evaluated: 2019-05-28. Review status: no assertion criteria provided. Collection method: clinical testing. Allele origin: germline.
Comment: This variant is classified as likely benign based on ACMG/AMP sequence variant interpretation guidelines (Richards et al. 2015 PMID: 25741868, with internal and published modifications).